The following is an entry in ClinVar:

NM_005476.7(GNE):c.1865T>C (p.Val622Ala)

Gene: GNE (glucosamine (UDP-N-acetyl)-2-epimerase/N-acetylmannosamine kinase; minus strand). Cytogenetic location: 9p13.3.
Variant type: single nucleotide variant.
Coding change: c.1865T>C on transcript NM_005476.7 (MANE Select); coding-DNA position 1865, T replaced by C.
Protein change: p.Val622Ala; replaces valine 622 with alanine.
Molecular consequence: missense variant.
Genome position (GRCh38, 1-based): chr9:36,218,251, A>G on the plus strand (T>C on the coding strand, the complement: GNE is on the minus strand). VCF-style: chr9-36218251-A-G. GRCh37 (hg19) VCF-style: chr9-36218248-A-G.
Other names: c.1958T>C, p.Val653Ala (NM_001128227.3); c.1643T>C, p.Val548Ala (NM_001190383.3); c.1535T>C, p.Val512Ala (NM_001190384.3); c.1688T>C, p.Val563Ala (NM_001190388.2, NM_001374798.1); c.1712T>C, p.Val571Ala (NM_001374797.1); short protein forms V512A, V548A, V563A, V571A, V622A, V653A.
Identifiers: ClinVar variation 4687765 (VCV004687765.1).

ClinVar aggregate classification (germline): Uncertain significance (1 of 4 stars; one submission).

Submission:

Women's Health and Genetics/Laboratory Corporation of America, LabCorp
Classification: Uncertain significance. Last evaluated: 2025-10-24. Review status: criteria provided, single submitter. Criteria: LabCorp Variant Classification Summary - May 2015. Collection method: clinical testing. Allele origin: germline.
Comment: Variant summary: GNE c.1958T>C (p.Val653Ala) results in a non-conservative amino acid change in the encoded protein sequence. Algorithms developed to predict the effect of missense changes on protein structure and function all suggest that this variant is likely to be disruptive. The variant was absent in 251472 control chromosomes. The available data on variant occurrences in the general population are insufficient to allow any conclusion about variant significance. To our knowledge, no occurrence of c.1958T>C in individuals affected with GNE-related conditions and no experimental evidence demonstrating its impact on protein function have been reported. No submitters have cited clinical-significance assessments for this variant to ClinVar. Based on the evidence outlined above, the variant was classified as uncertain significance.